The following is an entry in ClinVar:

NM_005591.4(MRE11):c.218A>C (p.His73Pro)

Gene: MRE11 (MRE11 double strand break repair nuclease; minus strand). Cytogenetic location: 11q21.
Variant type: single nucleotide variant.
Coding change: c.218A>C on transcript NM_005591.4 (MANE Select); coding-DNA position 218, A replaced by C.
Protein change: p.His73Pro; replaces histidine 73 with proline.
Molecular consequence: missense variant.
Genome position (GRCh38, 1-based): chr11:94,486,020, T>G on the plus strand (A>C on the coding strand, the complement: MRE11 is on the minus strand). VCF-style: chr11-94486020-T-G. GRCh37 (hg19) VCF-style: chr11-94219186-T-G.
Other names: c.218A>C, p.His73Pro (NM_001330347.2, NM_005590.4); short protein forms H73P.
Identifiers: ClinVar variation 3912887 (VCV003912887.1).

ClinVar aggregate classification (germline): Uncertain significance (1 of 4 stars; one submission).

Conditions:
Hereditary cancer-predisposing syndrome. Also called: Hereditary Cancer Syndrome; Hereditary neoplastic syndrome; Neoplastic Syndromes, Hereditary; Tumor predisposition. Identifiers: Orphanet 140162, MedGen C0027672, MeSH D009386, MONDO:0015356.

Submission:

Ambry Genetics
Classification: Uncertain significance for Hereditary cancer-predisposing syndrome. Last evaluated: 2025-05-21. Review status: criteria provided, single submitter. Criteria: Ambry Variant Classification Scheme 2023. Collection method: clinical testing. Allele origin: germline.
Comment: The p.H73P variant (also known as c.218A>C), located in coding exon 3 of the MRE11A gene, results from an A to C substitution at nucleotide position 218. The histidine at codon 73 is replaced by proline, an amino acid with similar properties. This amino acid position is conserved. In addition, this alteration is predicted to be deleterious by in silico analysis. Based on the available evidence, the clinical significance of this variant remains unclear.